The following is an entry in ClinVar:

NM_003000.3(SDHB):c.682del (p.Glu228fs)

Gene: SDHB (succinate dehydrogenase complex iron sulfur subunit B; minus strand). Cytogenetic location: 1p36.13.
Variant type: Deletion.
Coding change: c.682del on transcript NM_003000.3 (MANE Select); coding-DNA position 682, one base deleted (G; older notation c.682delG).
Protein change: p.Glu228fs; shifts the reading frame from glutamic acid 228.
Molecular consequence: frameshift variant.
Genome position (GRCh38, 1-based): chr1:17,022,691, C deleted on the plus strand (G on the coding strand, the reverse complement: SDHB is on the minus strand). VCF-style (leftmost placement, unchanged base first): chr1-17022690-TC-T. GRCh37 (hg19) VCF-style: chr1-17349185-TC-T.
Other names: c.628del, p.Glu210fs (NM_001407361.1); short protein forms E210fs, E228fs.
Identifiers: ClinVar variation 3904714 (VCV003904714.1).

ClinVar aggregate classification (germline): Pathogenic (1 of 4 stars; one submission).

Conditions:
Pheochromocytoma/paraganglioma syndrome 4. Also called: CAROTID BODY TUMORS AND MULTIPLE EXTRAADRENAL PHEOCHROMOCYTOMAS; PARAGANGLIOMA, FAMILIAL MALIGNANT; PARAGANGLIOMAS, HEREDITARY EXTRAADRENAL; PHEOCHROMOCYTOMA, FAMILIAL EXTRAADRENAL; Paragangliomas 4; SDHB-Related Hereditary Paraganglioma-Pheochromocytoma Syndrome (Paragangliomas 4). Identifiers: Orphanet 29072, MedGen C1861848, MONDO:0007273, OMIM 115310.

Submission:

Myriad Genetics, Inc.
Classification: Pathogenic for Pheochromocytoma/paraganglioma syndrome 4. Last evaluated: 2025-01-31. Review status: criteria provided, single submitter. Criteria: Myriad Autosomal Dominant, Autosomal Recessive and X-Linked Classification Criteria (2023). Collection method: clinical testing. Allele origin: unknown.
Comment: This variant is considered pathogenic. This variant creates a frameshift predicted to result in premature protein truncation.